The following is an entry in ClinVar:

NM_005902.4(SMAD3):c.*798G>A

Gene: SMAD3 (SMAD family member 3; plus strand). Cytogenetic location: 15q22.33.
Variant type: single nucleotide variant.
Coding change: c.*798G>A on transcript NM_005902.4 (MANE Select); 798 bases downstream of the stop codon, G replaced by A.
Molecular consequence: 3 prime UTR variant.
Genome position (GRCh38, 1-based): chr15:67,191,334, G>A. VCF-style: chr15-67191334-G-A. GRCh37 (hg19) VCF-style: chr15-67483672-G-A.
Other names: c.*798G>A (NM_001145102.2, NM_001145103.2, NM_001145104.2).
Identifiers: ClinVar variation 316888 (VCV000316888.33), dbSNP rs138327222, ClinGen allele CA10647307.

ClinVar aggregate classification (germline): Likely benign. Review status: criteria provided, multiple submitters, no conflicts (2 of 4 stars). 2 submissions from 2 submitters: Likely benign (2). Last evaluated 2023-05-01.

Conditions:
Aneurysm-osteoarthritis syndrome. Also called: ANEURYSMS-OSTEOARTHRITIS SYNDROME; SMAD3-Related Loeys-Dietz Syndrome; LOEYS-DIETZ SYNDROME WITH OSTEOARTHRITIS; Loeys-Dietz syndrome, type 1C. Identifiers: Orphanet 284984, MedGen C3151087, MONDO:0013426, OMIM 613795.

Allele frequency attached by ClinVar (database versions not stated): gnomAD 0.00037 and 0.00050; TOPMed 0.00057; 1000 Genomes Project 30x 0.00203; 1000 Genomes Project 0.00240; gnomAD exomes 0.00265.
gnomAD v4.1: 280 of 233,370 alleles (0.12%); highest among the groups gnomAD compares: East Asian, 1.5%; 1 homozygote.

Submissions (2):

CeGaT Center for Human Genetics Tuebingen
Classification: Likely benign. Last evaluated: 2023-05-01. Review status: criteria provided, single submitter. Criteria: CeGaT Center For Human Genetics Tuebingen Variant Classification Criteria Version 2. Collection method: clinical testing. Allele origin: germline. Affected: yes. Observed: 2 variant alleles.
Comment: SMAD3: BS1

Illumina Laboratory Services, Illumina
Classification: Likely benign for Aneurysm-osteoarthritis syndrome. Last evaluated: 2017-04-27. Review status: criteria provided, single submitter. Criteria: ICSL Variant Classification Criteria 13 December 2019. Collection method: clinical testing. Allele origin: germline.
Comment: This variant was observed as part of a predisposition screen in an ostensibly healthy population. A literature search was performed for the gene, cDNA change, and amino acid change (where applicable). No publications were found based on this search. Allele frequency data from public databases allowed determination this variant is unlikely to cause disease. Therefore, this variant is classified as likely benign.